The following is an entry in ClinVar:

ClinVar aggregate classification (germline): Pathogenic (1 of 4 stars; one submission).

Conditions:
Hypertelorism. Identifiers: MedGen C0020534, OMIM 145400, HP:0000316.
Myopia. Also called: Myopia (disease). Identifiers: MedGen C0027092, MONDO:0001384, HP:0000545.
Abnormal sternum morphology. Also called: Abnormality of the sternum. Identifiers: MedGen C1860493, HP:0000766.
Joint laxity. Identifiers: MedGen C0086437.
Inguinal hernia. Identifiers: MedGen C0019294, HP:0000023.
Retinal dystrophy. Also called: Inherited retinal dystrophy. Identifiers: Orphanet 71862, MedGen C0854723, MeSH D058499, MONDO:0019118, HP:0000556.

Allele frequency attached by ClinVar (database versions not stated): TOPMed below 0.00001; ExAC 0.00001; gnomAD exomes 0.00001.
gnomAD v4.1: 10 of 1,612,928 alleles (0.00062%); highest among the groups gnomAD compares: Non-Finnish European, 0.00085%; no homozygotes.

Submission:

Laboratory of Medical Genetics (UMR_S 1112), INSERM/Strasbourg University
Classification: Pathogenic for Hypertelorism; Myopia; Retinal dystrophy; Abnormal sternum morphology; Joint hypermobility; Inguinal hernia. Last evaluated: 2020-01-01. Review status: criteria provided, single submitter. Criteria: ACMG Guidelines, 2015. Collection method: research. Allele origin: inherited. Inheritance: Autosomal recessive inheritance. Affected: yes. Observed: 1 variant allele.
Comment: Variant observed in compound heterozygosity: c.[1358G>A];[3144G>A]

NM_013390.3(CEMIP2):c.1358G>A (p.Cys453Tyr)

Gene: CEMIP2 (cell migration inducing hyaluronidase 2; minus strand). Cytogenetic location: 9q21.13.
Variant type: single nucleotide variant.
Coding change: c.1358G>A on transcript NM_013390.3 (MANE Select); coding-DNA position 1358, G replaced by A.
Protein change: p.Cys453Tyr; replaces cysteine 453 with tyrosine.
Molecular consequence: missense variant. On other transcripts: 5 prime UTR variant (1), intron variant (1).
Genome position (GRCh38, 1-based): chr9:71,734,841, C>T on the plus strand (G>A on the coding strand, the complement: CEMIP2 is on the minus strand). VCF-style: chr9-71734841-C-T. GRCh37 (hg19) VCF-style: chr9-74349757-C-T.
Other names: c.-523G>A (NM_001349784.2); c.1205-2321G>A (NM_001135820.2); short protein forms C453Y.
Identifiers: ClinVar variation 827846 (VCV000827846.3), dbSNP rs755447989, ClinGen allele CA5079985.